The following is an entry in ClinVar:

ClinVar aggregate classification (germline): Likely benign. Review status: reviewed by expert panel (3 of 4 stars). 17 submissions from 17 submitters: Likely benign (1). 16 of the submissions do not count toward it. Last evaluated 2017-06-29.

Conditions:
Hereditary cancer-predisposing syndrome. Also called: Neoplastic Syndromes, Hereditary; Tumor predisposition; Hereditary neoplastic syndrome; Hereditary Cancer Syndrome. Identifiers: Orphanet 140162, MedGen C0027672, MeSH D009386, MONDO:0015356.
Hereditary breast ovarian cancer syndrome. Also called: Hereditary breast and ovarian cancer syndrome; Hereditary breast and ovarian cancer; Hereditary breast and ovarian cancer syndrome (HBOC); Breast and ovarian cancer; Hereditary breast and/or ovarian cancer syndrome; BRCA1- and BRCA2-Associated Hereditary Breast and Ovarian Cancer. Identifiers: Orphanet 145, MedGen C0677776, MeSH D061325, MONDO:0003582. Disease mechanism: loss of function.
Breast-ovarian cancer, familial, susceptibility to, 2 (BROVCA2). Also called: BRCA2 Hereditary Breast and Ovarian Cancer. Identifiers: Orphanet 145, MedGen C2675520, MONDO:0012933, OMIM 612555. Disease mechanism: loss of function.

Allele frequency attached by ClinVar (database versions not stated): gnomAD 0.00001; TOPMed 0.00003; ExAC 0.00004; gnomAD exomes 0.00005.
gnomAD v4.1: 76 of 1,591,586 alleles (0.0048%); highest among the groups gnomAD compares: Non-Finnish European, 0.0056%; no homozygotes.

Submissions (17):

Evidence-based Network for the Interpretation of Germline Mutant Alleles (ENIGMA)
Classification: Likely benign for Breast-ovarian cancer, familial, susceptibility to, 2. Last evaluated: 2017-06-29. Review status: reviewed by expert panel. Criteria: ENIGMA BRCA1/2 Classification Criteria (2017-06-29). Collection method: curation. Allele origin: germline.
Comment: Synonymous substitution variant, with low bioinformatic likelihood to result in a splicing aberration (Splicing prior probability 0.02).

Labcorp Genetics (formerly Invitae), Labcorp
Classification: Likely benign for Hereditary breast ovarian cancer syndrome. Last evaluated: 2026-01-07. Review status: criteria provided, single submitter. Criteria: Invitae Variant Classification Sherloc (09022015). Collection method: clinical testing. Allele origin: germline. Not counted in ClinVar's aggregate classification.

Center for Genomic Medicine, Rigshospitalet, Copenhagen University Hospital
Classification: Likely benign. Last evaluated: 2025-03-04. Review status: criteria provided, single submitter. Criteria: ACMG Guidelines, 2015. Collection method: clinical testing. Allele origin: germline. Not counted in ClinVar's aggregate classification.

Quest Diagnostics Nichols Institute San Juan Capistrano
Classification: Likely benign. Last evaluated: 2023-03-15. Review status: criteria provided, single submitter. Criteria: Quest Diagnostics criteria. Collection method: clinical testing. Allele origin: unknown. Not counted in ClinVar's aggregate classification.

National Health Laboratory Service, Universitas Academic Hospital and University of the Free State
Classification: Benign for Hereditary breast ovarian cancer syndrome. Last evaluated: 2021-11-16. Review status: criteria provided, single submitter. Criteria: ACMG Guidelines, 2015. Collection method: clinical testing. Allele origin: germline. Affected: yes. Observed: 1 variant allele. Not counted in ClinVar's aggregate classification.

Sema4
Classification: Likely benign for Hereditary cancer-predisposing syndrome. Last evaluated: 2021-03-08. Review status: criteria provided, single submitter. Criteria: Sema4 Curation Guidelines. Collection method: curation. Allele origin: germline. Not counted in ClinVar's aggregate classification.

Women's Health and Genetics/Laboratory Corporation of America, LabCorp
Classification: Likely benign. Last evaluated: 2020-08-13. Review status: criteria provided, single submitter. Criteria: LabCorp Variant Classification Summary - May 2015. Collection method: clinical testing. Allele origin: germline. Not counted in ClinVar's aggregate classification.

ARUP Laboratories, Molecular Genetics and Genomics, ARUP Laboratories
Classification: Likely benign. Last evaluated: 2019-05-21. Review status: criteria provided, single submitter. Criteria: ARUP Molecular Germline Variant Investigation Process. Collection method: clinical testing. Allele origin: germline. Not counted in ClinVar's aggregate classification.

Genome Diagnostics Laboratory, University Medical Center Utrecht
Classification: Likely benign for Breast-ovarian cancer, familial, susceptibility to, 2. Last evaluated: 2017-07-28. Review status: criteria provided, single submitter. Criteria: ACGS Guidelines, 2013. Collection method: clinical testing. Allele origin: germline. Affected: yes. Study: VKGL Data-share Consensus. Not counted in ClinVar's aggregate classification.

Color Diagnostics, LLC DBA Color Health
Classification: Likely benign for Hereditary cancer-predisposing syndrome. Last evaluated: 2017-03-30. Review status: criteria provided, single submitter. Criteria: ACMG Guidelines, 2015. Collection method: clinical testing. Allele origin: germline. Not counted in ClinVar's aggregate classification.

Department of Pathology and Laboratory Medicine, Sinai Health System
Classification: Likely benign. Last evaluated: 2016-07-28. Review status: criteria provided, single submitter. Criteria: ACMG Guidelines, 2015. Collection method: clinical testing. Allele origin: germline. Affected: yes. Study: The Canadian Open Genetics Repository (COGR). Not counted in ClinVar's aggregate classification.

Clinical Genetics DNA and cytogenetics Diagnostics Lab, Erasmus MC, Erasmus Medical Center
Classification: Likely benign for Breast-ovarian cancer, familial, susceptibility to, 2. Last evaluated: 2015-09-21. Review status: criteria provided, single submitter. Criteria: ACGS Guidelines, 2013. Collection method: clinical testing. Allele origin: germline. Affected: yes. Study: VKGL Data-share Consensus. Not counted in ClinVar's aggregate classification.

GeneDx
Classification: Benign. Last evaluated: 2015-05-05. Review status: criteria provided, single submitter. Criteria: GeneDx Variant Classification (06012015). Collection method: clinical testing. Allele origin: germline. Affected: yes. Not counted in ClinVar's aggregate classification.
Comment: This variant is considered likely benign or benign based on one or more of the following criteria: it is a conservative change, it occurs at a poorly conserved position in the protein, it is predicted to be benign by multiple in silico algorithms, and/or has population frequency not consistent with disease.

Ambry Genetics
Classification: Likely benign for Hereditary cancer-predisposing syndrome. Last evaluated: 2015-01-08. Review status: criteria provided, single submitter. Criteria: Ambry Variant Classification Scheme 2023. Collection method: clinical testing. Allele origin: germline. Not counted in ClinVar's aggregate classification.

True Health Diagnostics
Classification: Likely benign for Hereditary cancer-predisposing syndrome. Last evaluated: 2018-04-06. Review status: no assertion criteria provided. Collection method: clinical testing. Allele origin: germline. Not counted in ClinVar's aggregate classification.

Breast Cancer Information Core (BIC) (BRCA2)
Classification: Uncertain significance for Breast-ovarian cancer, familial 2. Last evaluated: 2003-10-29. Review status: no assertion criteria provided. Collection method: clinical testing. Allele origin: unknown. Affected: yes. Observed: 2 variant alleles. Not counted in ClinVar's aggregate classification.

Joint Genome Diagnostic Labs from Nijmegen and Maastricht, Radboudumc and MUMC+
Classification: Likely benign. Review status: no assertion criteria provided. Collection method: clinical testing. Allele origin: germline. Affected: yes. Study: VKGL Data-share Consensus. Not counted in ClinVar's aggregate classification.

Literature cited by the submitters: PubMed 30254663 (cited by Quest Diagnostics Nichols Institute San Juan Capistrano and Women's Health and Genetics/Laboratory Corporation of America, LabCorp); PubMed 24814045 (cited by 3 submitters); PubMed 23034506 (cited by Quest Diagnostics Nichols Institute San Juan Capistrano and Women's Health and Genetics/Laboratory Corporation of America, LabCorp); PubMed 15937982 (cited by Quest Diagnostics Nichols Institute San Juan Capistrano and Women's Health and Genetics/Laboratory Corporation of America, LabCorp); PubMed 16758124 (cited by Quest Diagnostics Nichols Institute San Juan Capistrano and Women's Health and Genetics/Laboratory Corporation of America, LabCorp); DOI 10.3389/fgene.2022.834265 (cited by National Health Laboratory Service, Universitas Academic Hospital and University of the Free State).

NM_000059.4(BRCA2):c.927A>G (p.Ser309=)

Gene: BRCA2 (BRCA2 DNA repair associated; plus strand). Cytogenetic location: 13q13.1.
Variant type: single nucleotide variant.
Coding change: c.927A>G on transcript NM_000059.4 (MANE Select); coding-DNA position 927, A replaced by G.
Protein change: p.Ser309=; no amino-acid change (serine 309 retained).
Molecular consequence: synonymous variant.
Genome position (GRCh38, 1-based): chr13:32,332,405, A>G. VCF-style: chr13-32332405-A-G. GRCh37 (hg19) VCF-style: chr13-32906542-A-G.
Other names: S309S; NP_000050.3:p.Ser309=.
Identifiers: ClinVar variation 52804 (VCV000052804.53), dbSNP rs80359806, ClinGen allele CA026084.